The following is an entry in ClinVar:

ClinVar aggregate classification (germline): Uncertain significance (1 of 4 stars; one submission).

Conditions:
Charcot-Marie-Tooth disease type 2. Also called: Charcot-Marie-Tooth type 2. Identifiers: Orphanet 64746, MedGen C0270914, MONDO:0018993.

Allele frequency attached by ClinVar (database versions not stated): ExAC 0.00001; TOPMed 0.00002; gnomAD 0.00001; gnomAD exomes 0.00001.
gnomAD v4.1: 20 of 1,610,308 alleles (0.0012%); highest among the groups gnomAD compares: Admixed American, 0.005%; no homozygotes.

Submission:

Labcorp Genetics (formerly Invitae), Labcorp
Classification: Uncertain significance for Charcot-Marie-Tooth disease type 2. Last evaluated: 2022-08-20. Review status: criteria provided, single submitter. Criteria: Invitae Variant Classification Sherloc (09022015). Collection method: clinical testing. Allele origin: germline.
Comment: In summary, the available evidence is currently insufficient to determine the role of this variant in disease. Therefore, it has been classified as a Variant of Uncertain Significance. Algorithms developed to predict the effect of missense changes on protein structure and function are either unavailable or do not agree on the potential impact of this missense change (SIFT: "Deleterious"; PolyPhen-2: "Probably Damaging"; Align-GVGD: "Class C0"). This variant has not been reported in the literature in individuals affected with MED25-related conditions. This variant is present in population databases (rs753523274, gnomAD 0.006%). This sequence change replaces proline, which is neutral and non-polar, with leucine, which is neutral and non-polar, at codon 588 of the MED25 protein (p.Pro588Leu).

NM_030973.4(MED25):c.1763C>T (p.Pro588Leu)

Gene: MED25 (mediator complex subunit 25; plus strand). Cytogenetic location: 19q13.33.
Variant type: single nucleotide variant.
Coding change: c.1763C>T on transcript NM_030973.4 (MANE Select); coding-DNA position 1763, C replaced by T.
Protein change: p.Pro588Leu; replaces proline 588 with leucine.
Molecular consequence: missense variant.
Genome position (GRCh38, 1-based): chr19:49,835,743, C>T. VCF-style: chr19-49835743-C-T. GRCh37 (hg19) VCF-style: chr19-50339000-C-T.
Other names: c.1763C>T, p.Pro588Leu (NM_001378355.1); short protein forms P588L.
Identifiers: ClinVar variation 2193522 (VCV002193522.2), dbSNP rs753523274, ClinGen allele CA9585372.